The following is an entry in ClinVar:

ClinVar aggregate classification (germline): Conflicting classifications of pathogenicity. Review status: criteria provided, conflicting classifications (1 of 4 stars). 2 submissions from 2 submitters: Uncertain significance (1); Likely benign (1). Last evaluated 2025-12-31.

Conditions:
Cardiovascular phenotype. Identifiers: MedGen CN230736.
Hereditary cancer-predisposing syndrome. Also called: Neoplastic Syndromes, Hereditary; Tumor predisposition; Hereditary Cancer Syndrome; Hereditary neoplastic syndrome. Identifiers: Orphanet 140162, MedGen C0027672, MeSH D009386, MONDO:0015356.

Allele frequency attached by ClinVar (database versions not stated): gnomAD 0.00002 and 0.00003; TOPMed 0.00003; ExAC 0.00005; ESP Exome Variant Server 0.00008.
gnomAD v4.1: 35 of 1,614,012 alleles (0.0022%); highest among the groups gnomAD compares: Non-Finnish European, 0.0027%; no homozygotes.

Submissions (4):

Labcorp Genetics (formerly Invitae), Labcorp
Classification: Likely benign. Last evaluated: 2025-12-31. Review status: criteria provided, single submitter. Criteria: Invitae Variant Classification Sherloc (09022015). Collection method: clinical testing. Allele origin: germline.

Ambry Genetics
Classification: Uncertain significance for Cardiovascular phenotype; Hereditary cancer-predisposing syndrome. Last evaluated: 2025-04-07. Review status: criteria provided, single submitter. Criteria: Ambry Variant Classification Scheme 2023. Collection method: clinical testing. Allele origin: germline.
Comment: The c.387C>T variant (also known as p.S129S), located in coding exon 4 of the LZTR1 gene, results from a C to T substitution at nucleotide position 387. This nucleotide substitution does not change the serine at codon 129. This nucleotide position is highly conserved in available vertebrate species. In silico splice site analysis predicts that this alteration will not have any significant effect on splicing. However, RNA studies have demonstrated that this alteration may result in an incomplete splice defect; the clinical impact of this abnormal splicing is unknown at this time (Ambry internal data). Since supporting evidence is limited at this time, the clinical significance of this alteration remains unclear.

Dr. Peter K. Rogan Lab, Western University
No classification provided (evidence only). Condition: Acute myeloid leukemia. Review status: no classification provided. Collection method: in vitro. Allele origin: not applicable. Functional consequence: skipped exon, retained intron. Not counted in ClinVar's aggregate classification.

Dr. Peter K. Rogan Lab, Western University
No classification provided (evidence only). Condition: Malignant tumor of esophagus. Review status: no classification provided. Collection method: in vitro. Allele origin: not applicable. Functional consequence: skipped exon. Not counted in ClinVar's aggregate classification.

NM_006767.4(LZTR1):c.387C>T (p.Ser129=)

Gene: LZTR1 (leucine zipper like post translational regulator 1; plus strand). Cytogenetic location: 22q11.21.
Variant type: single nucleotide variant.
Coding change: c.387C>T on transcript NM_006767.4 (MANE Select); coding-DNA position 387, C replaced by T.
Protein change: p.Ser129=; no amino-acid change (serine 129 retained).
Molecular consequence: synonymous variant.
Genome position (GRCh38, 1-based): chr22:20,987,570, C>T. VCF-style: chr22-20987570-C-T. GRCh37 (hg19) VCF-style: chr22-21341859-C-T.
Identifiers: ClinVar variation 1514645 (VCV001514645.10), dbSNP rs368158143, ClinGen allele CA10118401.
Genomic context (GRCh38, chr22:20,987,570, plus strand): 5'-TACCACTGGGACCCCACCGGCCCCCCGTTACCACCACTCGGCCGTCGTCTATGGGAGCAG[C>T]ATGTTTGTCTTTGGTAAGCAGCCTCTTGCCTCCCAGGGGCTGTGTCGCCCCGAGGCCCAC-3'
Protein context (NP_006758.2, residues 119-139): YHHSAVVYGS[Ser129=]MFVFGGYTGD